The following is an entry in ClinVar:

ClinVar aggregate classification (germline): Uncertain significance (1 of 4 stars; one submission).

Conditions:
Combined oxidative phosphorylation defect type 17. Also called: Combined oxidative phosphorylation deficiency 17. Identifiers: Orphanet 369913, MedGen C3809526, MONDO:0014190, OMIM 615440.

Allele frequency attached by ClinVar (database versions not stated): gnomAD exomes below 0.00001.
gnomAD v4.1: 1 of 1,614,190 alleles (0.000062%); highest among the groups gnomAD compares: Admixed American, 0.0017%; no homozygotes.

Submissions (2):

Labcorp Genetics (formerly Invitae), Labcorp
Classification: Uncertain significance for Combined oxidative phosphorylation defect type 17. Last evaluated: 2025-06-12. Review status: criteria provided, single submitter. Criteria: Invitae Variant Classification Sherloc (09022015). Collection method: clinical testing. Allele origin: germline.
Comment: This sequence change falls in intron 21 of the ELAC2 gene. It does not directly change the encoded amino acid sequence of the ELAC2 protein. This variant is present in population databases (no rsID available, gnomAD 0.003%). This variant has not been reported in the literature in individuals affected with ELAC2-related conditions. ClinVar contains an entry for this variant (Variation ID: 1956552). Algorithms developed to predict the effect of sequence changes on RNA splicing suggest that this variant may create or strengthen a splice site. In summary, the available evidence is currently insufficient to determine the role of this variant in disease. Therefore, it has been classified as a Variant of Uncertain Significance.

Dr. Peter K. Rogan Lab, Western University
No classification provided (evidence only). Condition: Squamous cell carcinoma of the head and neck. Review status: no classification provided. Collection method: in vitro. Allele origin: not applicable. Functional consequence: retained intron. Not counted in ClinVar's aggregate classification.

NM_018127.7(ELAC2):c.2030-11T>C

Gene: ELAC2 (elaC ribonuclease Z 2; minus strand). Cytogenetic location: 17p12.
Variant type: single nucleotide variant.
Coding change: c.2030-11T>C on transcript NM_018127.7 (MANE Select); 11 bases into the intron before coding-DNA position 2030, T replaced by C.
Molecular consequence: intron variant.
Genome position (GRCh38, 1-based): chr17:12,994,514, A>G on the plus strand (T>C on the coding strand, the complement: ELAC2 is on the minus strand). VCF-style: chr17-12994514-A-G. GRCh37 (hg19) VCF-style: chr17-12897831-A-G.
Other names: c.1910-11T>C (NM_001165962.2); c.2027-11T>C (NM_173717.2).
Identifiers: ClinVar variation 1956552 (VCV001956552.6), dbSNP rs1362428707, ClinGen allele CA625311381.